The following is an entry in ClinVar:

ClinVar aggregate classification (germline): Conflicting classifications of pathogenicity. Review status: criteria provided, conflicting classifications (1 of 4 stars). 3 submissions from 3 submitters: Likely pathogenic (1); Uncertain significance (2). Last evaluated 2025-07-08.

Conditions:
Early-infantile DEE. Also called: Early infantile epileptic encephalopathy with suppression bursts; Early infantile epileptic encephalopathy; Ohtahara syndrome. Identifiers: Orphanet 1934, MedGen C0393706, MONDO:0800491.

gnomAD v4.1: 2 of 1,607,102 alleles (0.00012%); highest among the groups gnomAD compares: Non-Finnish European, 0.00017%; no homozygotes.

Submissions (3):

Labcorp Genetics (formerly Invitae), Labcorp
Classification: Likely pathogenic for Early-infantile DEE. Last evaluated: 2025-07-08. Review status: criteria provided, single submitter. Criteria: Invitae Variant Classification Sherloc (09022015). Collection method: clinical testing. Allele origin: germline.
Comment: This sequence change affects codon 181 of the KCNQ2 mRNA. It is a 'silent' change, meaning that it does not change the encoded amino acid sequence of the KCNQ2 protein. This variant is not present in population databases (gnomAD no frequency). This variant has been observed in individuals with KCNQ2-related conditions (internal data). ClinVar contains an entry for this variant (Variation ID: 574115). Algorithms developed to predict the effect of sequence changes on RNA splicing suggest that this variant may create or strengthen a splice site. In summary, the currently available evidence indicates that the variant is pathogenic, but additional data are needed to prove that conclusively. Therefore, this variant has been classified as Likely Pathogenic.

Blueprint Genetics
Classification: Uncertain significance. Last evaluated: 2023-09-21. Review status: criteria provided, single submitter. Criteria: ACMG Guidelines, 2015. Collection method: clinical testing. Allele origin: germline.

GeneDx
Classification: Uncertain significance. Last evaluated: 2022-12-08. Review status: criteria provided, single submitter. Criteria: GeneDx Variant Classification Process June 2021. Collection method: clinical testing. Allele origin: germline. Affected: yes.
Comment: In silico analysis supports a deleterious effect on splicing; Has not been previously published as pathogenic or benign to our knowledge

NM_172107.4(KCNQ2):c.543G>A (p.Ala181=)

Gene: KCNQ2 (potassium voltage-gated channel subfamily Q member 2; minus strand). Cytogenetic location: 20q13.33.
Variant type: single nucleotide variant.
Coding change: c.543G>A on transcript NM_172107.4 (MANE Select); coding-DNA position 543, G replaced by A.
Protein change: p.Ala181=; no amino-acid change (alanine 181 retained).
Molecular consequence: synonymous variant.
Genome position (GRCh38, 1-based): chr20:63,444,806, C>T on the plus strand (G>A on the coding strand, the complement: KCNQ2 is on the minus strand). VCF-style: chr20-63444806-C-T. GRCh37 (hg19) VCF-style: chr20-62076159-C-T.
Other names: c.543G>A, p.Ala181= (NM_004518.6, NM_172106.3, NM_172108.5 and 1 more transcripts).
Identifiers: ClinVar variation 574115 (VCV000574115.11), dbSNP rs1447421194, ClinGen allele CA511211629.